The following is an entry in ClinVar:

ClinVar aggregate classification (germline): Uncertain significance. Review status: criteria provided, multiple submitters, no conflicts (2 of 4 stars). 3 submissions from 3 submitters: Uncertain significance (2). 1 of the submissions does not count toward it. Last evaluated 2025-08-24.

Conditions:
SCAPER-related disorder. Also called: SCAPER-related condition.
Inborn genetic diseases. Identifiers: MedGen C0950123, MeSH D030342.

gnomAD v4.1: 8 of 1,613,940 alleles (0.0005%); highest among the groups gnomAD compares: Admixed American, 0.0083%; no homozygotes.

Submissions (3):

Ambry Genetics
Classification: Uncertain significance for Inborn genetic diseases. Last evaluated: 2025-08-24. Review status: criteria provided, single submitter. Criteria: Ambry Variant Classification Scheme 2023. Collection method: clinical testing. Allele origin: germline.

Blueprint Genetics
Classification: Uncertain significance. Last evaluated: 2021-12-29. Review status: criteria provided, single submitter. Criteria: ACMG Guidelines, 2015. Collection method: clinical testing. Allele origin: germline.

PreventionGenetics, part of Exact Sciences
Classification: Uncertain significance for SCAPER-related condition. Last evaluated: 2024-08-30. Review status: no assertion criteria provided. Collection method: clinical testing. Allele origin: germline. Not counted in ClinVar's aggregate classification.
Comment: The SCAPER c.3188G>A variant is predicted to result in the amino acid substitution p.Ser1063Asn. To our knowledge, this variant has not been reported in the literature. This variant is reported in 0.0087% of alleles in individuals of Latino descent in gnomAD. At this time, the clinical significance of this variant is uncertain due to the absence of conclusive functional and genetic evidence.

NM_020843.4(SCAPER):c.3170G>A (p.Ser1057Asn)

Genes: SCAPER (S-phase cyclin A associated protein in the ER; minus strand), LOC126862183 (BRD4-independent group 4 enhancer GRCh37_chr15:76726060-76727259; plus strand). Cytogenetic location: 15q24.3.
Variant type: single nucleotide variant.
Coding change: c.3170G>A on transcript NM_020843.4 (MANE Select); coding-DNA position 3170, G replaced by A.
Protein change: p.Ser1057Asn; replaces serine 1057 with asparagine.
Molecular consequence: missense variant. On other transcripts: non-coding transcript variant (1).
Genome position (GRCh38, 1-based): chr15:76,434,219, C>T on the plus strand (G>A on the coding strand, the complement: SCAPER is on the minus strand). VCF-style: chr15-76434219-C-T. GRCh37 (hg19) VCF-style: chr15-76726560-C-T.
Other names: c.2432G>A, p.Ser811Asn (NM_001145923.2); c.3188G>A, p.Ser1063Asn (NM_001353009.2); c.2768G>A, p.Ser923Asn (NM_001353010.2, NM_001353012.2); c.2786G>A, p.Ser929Asn (NM_001353011.2); c.3170G>A (NM_020843.2); short protein forms S1057N, S1063N, S811N, S923N, S929N.
Identifiers: ClinVar variation 3350821 (VCV003350821.3).